The following is an entry in ClinVar:

NM_013314.4(BLNK):c.511C>T (p.Leu171Phe)

Gene: BLNK (B cell linker; minus strand). Cytogenetic location: 10q24.1.
Variant type: single nucleotide variant.
Coding change: c.511C>T on transcript NM_013314.4 (MANE Select); coding-DNA position 511, C replaced by T.
Protein change: p.Leu171Phe; replaces leucine 171 with phenylalanine.
Molecular consequence: missense variant. On other transcripts: non-coding transcript variant (1), intron variant (1).
Genome position (GRCh38, 1-based): chr10:96,223,840, G>A on the plus strand (C>T on the coding strand, the complement: BLNK is on the minus strand). VCF-style: chr10-96223840-G-A. GRCh37 (hg19) VCF-style: chr10-97983596-G-A.
Other names: c.511C>T, p.Leu171Phe (NM_001114094.2, NM_001258440.2, NM_001258441.2); c.349+3582C>T (NM_001258442.2); short protein forms L171F.
Identifiers: ClinVar variation 1423496 (VCV001423496.8), dbSNP rs782601154, ClinGen allele CA5623456.

ClinVar aggregate classification (germline): Uncertain significance (1 of 4 stars; one submission).

Conditions:
Agammaglobulinemia 4, autosomal recessive (AGM4). Also called: AGAMMAGLOBULINEMIA, AUTOSOMAL RECESSIVE, DUE TO BLNK DEFECT; B cell linker protein deficiency. Identifiers: MedGen C3150752, MONDO:0013289, OMIM 613502.

Allele frequency attached by ClinVar (database versions not stated): TOPMed below 0.00001; gnomAD 0.00001; gnomAD exomes 0.00001 and below 0.00001; ExAC 0.00002.
gnomAD v4.1: 3 of 1,613,736 alleles (0.00019%); highest among the groups gnomAD compares: Admixed American, 0.0033%; no homozygotes.

Submission:

Labcorp Genetics (formerly Invitae), Labcorp
Classification: Uncertain significance for Agammaglobulinemia 4, autosomal recessive. Last evaluated: 2021-05-06. Review status: criteria provided, single submitter. Criteria: Invitae Variant Classification Sherloc (09022015). Collection method: clinical testing. Allele origin: germline.
Comment: In summary, the available evidence is currently insufficient to determine the role of this variant in disease. Therefore, it has been classified as a Variant of Uncertain Significance. Algorithms developed to predict the effect of missense changes on protein structure and function (SIFT, PolyPhen-2, Align-GVGD) all suggest that this variant is likely to be tolerated, but these predictions have not been confirmed by published functional studies and their clinical significance is uncertain. This variant has not been reported in the literature in individuals with BLNK-related conditions. This variant is present in population databases (rs782601154, ExAC 0.02%). This sequence change replaces leucine with phenylalanine at codon 171 of the BLNK protein (p.Leu171Phe). The leucine residue is moderately conserved and there is a small physicochemical difference between leucine and phenylalanine.